The following is an entry in ClinVar:

ClinVar aggregate classification (germline): Pathogenic (1 of 4 stars; one submission).

Submission:

Labcorp Genetics (formerly Invitae), Labcorp
Classification: Pathogenic. Last evaluated: 2022-06-13. Review status: criteria provided, single submitter. Criteria: Invitae Variant Classification Sherloc (09022015). Collection method: clinical testing. Allele origin: germline.
Comment: For these reasons, this variant has been classified as Pathogenic. This variant has not been reported in the literature in individuals affected with CUL7-related conditions. A gross deletion of the genomic region encompassing the full coding sequence of the CUL7 gene has been identified. Loss-of-function variants in CUL7 are known to be pathogenic (PMID: 16142236, 17675530, 19225462). The boundaries of this event are unknown as they extend beyond the assayed region for this gene and therefore may encompass additional genes.

Literature cited by the submitters: PubMed 16142236; PubMed 17675530; PubMed 19225462.

NC_000006.11:g.(?_42928506)_(43737486_?)del

Genes: TJAP1 (tight junction associated protein 1; plus strand), TTBK1 (tau tubulin kinase 1; plus strand), XPO5 (exportin 5; minus strand), ZNF318 (zinc finger protein 318; minus strand), YIPF3 (Yip1 domain family member 3; minus strand) and 24 more. Cytogenetic location: 6p21.1.
Variant type: Deletion.
Identifiers: ClinVar variation 1072088 (VCV001072088.6).